The following is an entry in ClinVar:

NM_000535.7(PMS2):c.1519A>G (p.Ser507Gly)

Gene: PMS2 (PMS1 homolog 2, mismatch repair system component; minus strand). Cytogenetic location: 7p22.1.
Variant type: single nucleotide variant.
Coding change: c.1519A>G on transcript NM_000535.7 (MANE Select); coding-DNA position 1519, A replaced by G.
Protein change: p.Ser507Gly; replaces serine 507 with glycine.
Molecular consequence: missense variant. On other transcripts: non-coding transcript variant (1).
Genome position (GRCh38, 1-based): chr7:5,987,246, T>C on the plus strand (A>G on the coding strand, the complement: PMS2 is on the minus strand). VCF-style: chr7-5987246-T-C. GRCh37 (hg19) VCF-style: chr7-6026877-T-C.
Other names: c.1114A>G, p.Ser372Gly (NM_001322003.2, NM_001322004.2, NM_001322005.2 and 1 more transcripts); c.1363A>G, p.Ser455Gly (NM_001322006.2); c.1201A>G, p.Ser401Gly (NM_001322007.2, NM_001322008.2); c.958A>G, p.Ser320Gly (NM_001322010.2); c.586A>G, p.Ser196Gly (NM_001322011.2, NM_001322012.2); c.946A>G, p.Ser316Gly (NM_001322013.2); c.1519A>G, p.Ser507Gly (NM_001322014.2); c.1210A>G, p.Ser404Gly (NM_001322015.2); short protein forms S507G, S455G, S196G, S316G, S401G, S320G, S372G, S404G.
Identifiers: ClinVar variation 186340 (VCV000186340.23), dbSNP rs63751028, ClinGen allele CA009797.

ClinVar aggregate classification (germline): Conflicting classifications of pathogenicity. Review status: criteria provided, conflicting classifications (1 of 4 stars). 6 submissions from 6 submitters: Uncertain significance (4); Likely benign (2). Last evaluated 2025-12-29.

Conditions:
Lynch syndrome. Identifiers: Orphanet 144, MedGen C4552100, MONDO:0005835. Disease mechanism: loss of function.
Hereditary nonpolyposis colorectal neoplasms. Identifiers: MedGen C0009405, MeSH D003123.
Hereditary cancer-predisposing syndrome. Also called: Neoplastic Syndromes, Hereditary; Tumor predisposition; Hereditary Cancer Syndrome; Hereditary neoplastic syndrome. Identifiers: Orphanet 140162, MedGen C0027672, MeSH D009386, MONDO:0015356.

Allele frequency attached by ClinVar (database versions not stated): TOPMed below 0.00001; gnomAD 0.00001.

Submissions (6):

Center for Genomic Medicine, Rigshospitalet, Copenhagen University Hospital
Classification: Uncertain significance. Last evaluated: 2025-12-29. Review status: criteria provided, single submitter. Criteria: ACMG Guidelines, 2015. Collection method: clinical testing. Allele origin: germline.

Labcorp Genetics (formerly Invitae), Labcorp
Classification: Uncertain significance for Hereditary nonpolyposis colorectal neoplasms. Last evaluated: 2025-09-19. Review status: criteria provided, single submitter. Criteria: Invitae Variant Classification Sherloc (09022015). Collection method: clinical testing. Allele origin: germline.
Comment: This sequence change replaces serine, which is neutral and polar, with glycine, which is neutral and non-polar, at codon 507 of the PMS2 protein (p.Ser507Gly). This variant is not present in population databases (gnomAD no frequency). This variant has not been reported in the literature in individuals affected with PMS2-related conditions. ClinVar contains an entry for this variant (Variation ID: 186340). Invitae Evidence Modeling incorporating data from in vitro experimental studies (internal data) indicates that this missense variant is not expected to disrupt PMS2 function with a negative predictive value of 95%. In summary, the available evidence is currently insufficient to determine the role of this variant in disease. Therefore, it has been classified as a Variant of Uncertain Significance.

Color Diagnostics, LLC DBA Color Health
Classification: Likely benign for Hereditary cancer-predisposing syndrome. Last evaluated: 2025-01-21. Review status: criteria provided, single submitter. Criteria: ACMG Guidelines, 2015. Collection method: clinical testing. Allele origin: germline.

Ambry Genetics
Classification: Likely benign for Hereditary cancer-predisposing syndrome. Last evaluated: 2024-05-24. Review status: criteria provided, single submitter. Criteria: Ambry Variant Classification Scheme 2023. Collection method: clinical testing. Allele origin: germline.

All of Us Research Program, National Institutes of Health
Classification: Uncertain significance for Lynch syndrome. Last evaluated: 2023-04-03. Review status: criteria provided, single submitter. Criteria: ACMG Guidelines, 2015. Collection method: clinical testing. Allele origin: germline. Inheritance: Autosomal dominant inheritance. Observed: 1 variant allele, 1 heterozygote.
Comment: This missense variant replaces serine with glycine at codon 507 of the PMS2 protein. Computational prediction suggests that this variant may not impact protein structure and function (internally defined REVEL score threshold <= 0.5, PMID: 27666373). To our knowledge, functional studies have not been reported for this variant. This variant has not been reported in individuals affected with PMS2-related disorders in the literature. This variant has not been identified in the general population by the Genome Aggregation Database (gnomAD). The available evidence is insufficient to determine the role of this variant in disease conclusively. Therefore, this variant is classified as a Variant of Uncertain Significance.

This study involves interpretation of variants in research participants for the purpose of population health screening. Participant phenotype was not available at the time of variant classification. Additional details can be found in publication PMID: 35346344, PMCID: PMC8962531

GeneDx
Classification: Uncertain significance. Last evaluated: 2019-11-15. Review status: criteria provided, single submitter. Criteria: GeneDx Variant Classification Process June 2021. Collection method: clinical testing. Allele origin: germline. Affected: yes.
Comment: Not observed in large population cohorts (Lek 2016); In silico analysis, which includes protein predictors and evolutionary conservation, supports that this variant does not alter protein structure/function; Has not been previously published as pathogenic or benign to our knowledge